The following is an entry in ClinVar:

NM_002397.5(MEF2C):c.834+16G>A

Gene: MEF2C (myocyte enhancer factor 2C; minus strand). Cytogenetic location: 5q14.3.
Variant type: single nucleotide variant.
Coding change: c.834+16G>A on transcript NM_002397.5 (MANE Select); 16 bases into the intron after coding-DNA position 834, G replaced by A.
Molecular consequence: intron variant.
Genome position (GRCh38, 1-based): chr5:88,730,195, C>T on the plus strand (G>A on the coding strand, the complement: MEF2C is on the minus strand). VCF-style: chr5-88730195-C-T. GRCh37 (hg19) VCF-style: chr5-88026012-C-T.
Other names: c.834+16G>A (NM_001364329.2, NM_001364330.2, NM_001193350.2 and 9 more transcripts); c.811-848G>A (NM_001364333.2, NM_001308002.3, NM_001364349.2 and 6 more transcripts); c.690+16G>A (NM_001364344.2, NM_001364354.2, NM_001364332.2 and 2 more transcripts); c.456+16G>A (NM_001364353.2, NM_001364356.2); c.805-848G>A (NM_001131005.2, NM_001364352.2, NM_001364343.2); c.865-848G>A (NM_001193347.1, NM_001364338.2); c.667-848G>A (NM_001193348.1); c.385-848G>A (NM_001364357.2).
Identifiers: ClinVar variation 392427 (VCV000392427.9), dbSNP rs760064638, ClinGen allele CA3337236.

ClinVar aggregate classification (germline): Likely benign. Review status: criteria provided, multiple submitters, no conflicts (2 of 4 stars). 2 submissions from 2 submitters: Likely benign (2). Last evaluated 2023-06-18.

Conditions:
Neurodevelopmental disorder with hypotonia, stereotypic hand movements, and impaired language. Also called: Intellectual disability, autosomal dominant 20. Identifiers: Orphanet 228384, Orphanet 664410, MedGen C3150700, MONDO:0013266, OMIM 613443.

Allele frequency attached by ClinVar (database versions not stated): gnomAD exomes 0.00001; gnomAD 0.00002; TOPMed 0.00002; ExAC 0.00005.

Submissions (2):

Labcorp Genetics (formerly Invitae), Labcorp
Classification: Likely benign for Neurodevelopmental disorder with hypotonia, stereotypic hand movements, and impaired language. Last evaluated: 2023-06-18. Review status: criteria provided, single submitter. Criteria: Invitae Variant Classification Sherloc (09022015). Collection method: clinical testing. Allele origin: germline.

GeneDx
Classification: Likely benign. Last evaluated: 2017-01-05. Review status: criteria provided, single submitter. Criteria: GeneDx Variant Classification (06012015). Collection method: clinical testing. Allele origin: germline. Affected: yes.
Comment: This variant is considered likely benign or benign based on one or more of the following criteria: it is a conservative change, it occurs at a poorly conserved position in the protein, it is predicted to be benign by multiple in silico algorithms, and/or has population frequency not consistent with disease.